The following is an entry in ClinVar:

NM_001042492.3(NF1):c.237del (p.Leu79fs)

Gene: NF1 (neurofibromin 1; plus strand). Cytogenetic location: 17q11.2.
Variant type: Deletion.
Coding change: c.237del on transcript NM_001042492.3 (MANE Select); coding-DNA position 237, one base deleted (A; older notation c.237delA).
Protein change: p.Leu79fs; shifts the reading frame from leucine 79.
Molecular consequence: frameshift variant.
Genome position (GRCh38, 1-based): chr17:31,159,042, A deleted. VCF-style (leftmost placement, unchanged base first): chr17-31159041-TA-T. GRCh37 (hg19) VCF-style: chr17-29486059-TA-T.
Other names: c.237delA (NM_000267.3); c.237delA, p.Leu79Phefs (NM_000267.4); c.237del, p.Leu79fs (NM_001128147.3); short protein forms L79fs.
Identifiers: ClinVar variation 1456563 (VCV001456563.7), dbSNP rs2143645855, ClinGen allele CA2573153544.

ClinVar aggregate classification (germline): Pathogenic. Review status: criteria provided, multiple submitters, no conflicts (2 of 4 stars). 2 submissions from 2 submitters: Pathogenic (2). Last evaluated 2025-03-13.

Conditions:
Neurofibromatosis, type 1 (NF1). Also called: Neurofibromatosis, type I; VON RECKLINGHAUSEN DISEASE; NEUROFIBROMATOSIS, TYPE I, SOMATIC; Peripheral type neurofibromatosis. Identifiers: Orphanet 636, MedGen C0027831, MONDO:0018975, OMIM 162200. Disease mechanism: loss of function.
Cardiovascular phenotype. Identifiers: MedGen CN230736.
Hereditary cancer-predisposing syndrome. Also called: Hereditary Cancer Syndrome; Hereditary neoplastic syndrome; Tumor predisposition; Neoplastic Syndromes, Hereditary. Identifiers: Orphanet 140162, MedGen C0027672, MeSH D009386, MONDO:0015356.

Submissions (2):

Ambry Genetics
Classification: Pathogenic for Cardiovascular phenotype; Hereditary cancer-predisposing syndrome. Last evaluated: 2025-03-13. Review status: criteria provided, single submitter. Criteria: Ambry Variant Classification Scheme 2023. Collection method: clinical testing. Allele origin: germline.
Comment: The c.237delA pathogenic mutation, located in coding exon 3 of the NF1 gene, results from a deletion of one nucleotide at nucleotide position 237, causing a translational frameshift with a predicted alternate stop codon (p.L79Ffs*6). This variant is considered to be rare based on population cohorts in the Genome Aggregation Database (gnomAD). This alteration is expected to result in loss of function by premature protein truncation or nonsense-mediated mRNA decay. As such, this alteration is interpreted as a disease-causing mutation.

Labcorp Genetics (formerly Invitae), Labcorp
Classification: Pathogenic for Neurofibromatosis, type 1. Last evaluated: 2021-10-25. Review status: criteria provided, single submitter. Criteria: Invitae Variant Classification Sherloc (09022015). Collection method: clinical testing. Allele origin: germline.
Comment: For these reasons, this variant has been classified as Pathogenic. This variant has not been reported in the literature in individuals affected with NF1-related conditions. This variant is not present in population databases (gnomAD no frequency). This sequence change creates a premature translational stop signal (p.Leu79Phefs*6) in the NF1 gene. It is expected to result in an absent or disrupted protein product. Loss-of-function variants in NF1 are known to be pathogenic (PMID: 10712197, 23913538).

Literature cited by the submitters: PubMed 10712197 (cited by Labcorp Genetics (formerly Invitae), Labcorp); PubMed 23913538 (cited by Labcorp Genetics (formerly Invitae), Labcorp).